The following is an entry in ClinVar:

NM_021619.3(PRDM12):c.508G>A (p.Glu170Lys)

Gene: PRDM12 (PR/SET domain 12; plus strand). Cytogenetic location: 9q34.12.
Variant type: single nucleotide variant.
Coding change: c.508G>A on transcript NM_021619.3 (MANE Select); coding-DNA position 508, G replaced by A.
Protein change: p.Glu170Lys; replaces glutamic acid 170 with lysine.
Molecular consequence: missense variant.
Genome position (GRCh38, 1-based): chr9:130,668,251, G>A. VCF-style: chr9-130668251-G-A. GRCh37 (hg19) VCF-style: chr9-133543638-G-A.
Other names: c.508G>A (NM_021619.2); short protein forms E170K.
Identifiers: ClinVar variation 1369222 (VCV001369222.7), dbSNP rs779851108, ClinGen allele CA5284555.
Genomic context (GRCh38, chr9:130,668,251, plus strand): 5'-ATCGATGCCAGCCAGGAGGACCACCGGAGCTGGATGACCTACATCAAGTGTGCACGTAAC[G>A]AACAGGAGCAGAACCTGGAGGTGGTCCAGATCGGCACCAGCATCTTCTACAAGGCCATTG-3'
Protein context (NP_067632.2, residues 160-180): WMTYIKCARN[Glu170Lys]QEQNLEVVQI

ClinVar aggregate classification (germline): Uncertain significance. Review status: criteria provided, multiple submitters, no conflicts (2 of 4 stars). 2 submissions from 2 submitters: Uncertain significance (2). Last evaluated 2024-01-09.

Conditions:
Congenital insensitivity to pain-hypohidrosis syndrome. Also called: HSAN VIII; Neuropathy, hereditary sensory and autonomic, type VIII. Identifiers: Orphanet 478664, MedGen C4225308, MONDO:0014662, OMIM 616488.
Inborn genetic diseases. Identifiers: MedGen C0950123, MeSH D030342.

Allele frequency attached by ClinVar (database versions not stated): ExAC 0.00001; gnomAD 0.00001; gnomAD exomes 0.00002.

Submissions (2):

Ambry Genetics
Classification: Uncertain significance for Inborn genetic diseases. Last evaluated: 2024-01-09. Review status: criteria provided, single submitter. Criteria: Ambry Variant Classification Scheme 2023. Collection method: clinical testing. Allele origin: germline.

Labcorp Genetics (formerly Invitae), Labcorp
Classification: Uncertain significance for Congenital insensitivity to pain-hypohidrosis syndrome. Last evaluated: 2021-10-13. Review status: criteria provided, single submitter. Criteria: Invitae Variant Classification Sherloc (09022015). Collection method: clinical testing. Allele origin: germline.
Comment: This variant is present in population databases (rs779851108, ExAC 0.002%). In summary, the available evidence is currently insufficient to determine the role of this variant in disease. Therefore, it has been classified as a Variant of Uncertain Significance. Algorithms developed to predict the effect of missense changes on protein structure and function are either unavailable or do not agree on the potential impact of this missense change (SIFT: "Deleterious"; PolyPhen-2: "Possibly Damaging"; Align-GVGD: "Class C0"). This variant has not been reported in the literature in individuals affected with PRDM12-related conditions. This sequence change replaces glutamic acid with lysine at codon 170 of the PRDM12 protein (p.Glu170Lys). The glutamic acid residue is highly conserved and there is a small physicochemical difference between glutamic acid and lysine.